The following is an entry in ClinVar:

ClinVar aggregate classification (germline): Uncertain significance (1 of 4 stars; one submission).

Conditions:
Hypoplastic left heart syndrome. Also called: Hypoplastic left ventricle; Hypoplastic left heart. Identifiers: Orphanet 2248, MedGen C0152101, MONDO:0004933, HP:0004383.

gnomAD v4.1: 3 of 1,592,632 alleles (0.00019%); highest among the groups gnomAD compares: Admixed American, 0.0017%; no homozygotes.

Submission:

Labcorp Genetics (formerly Invitae), Labcorp
Classification: Uncertain significance for Hypoplastic left heart syndrome. Last evaluated: 2025-09-24. Review status: criteria provided, single submitter. Criteria: Invitae Variant Classification Sherloc (09022015). Collection method: clinical testing. Allele origin: germline.
Comment: This sequence change replaces proline, which is neutral and non-polar, with serine, which is neutral and polar, at codon 61 of the HAND1 protein (p.Pro61Ser). The frequency data for this variant in the population databases is considered unreliable, as metrics indicate poor data quality at this position in the gnomAD database. This variant has not been reported in the literature in individuals affected with HAND1-related conditions. An algorithm developed to predict the effect of missense changes on protein structure and function (PolyPhen-2) suggests that this variant is likely to be tolerated. In summary, the available evidence is currently insufficient to determine the role of this variant in disease. Therefore, it has been classified as a Variant of Uncertain Significance.

NM_004821.3(HAND1):c.181C>T (p.Pro61Ser)

Gene: HAND1 (heart and neural crest derivatives expressed 1; minus strand). Cytogenetic location: 5q33.2.
Variant type: single nucleotide variant.
Coding change: c.181C>T on transcript NM_004821.3 (MANE Select); coding-DNA position 181, C replaced by T.
Protein change: p.Pro61Ser; replaces proline 61 with serine.
Molecular consequence: missense variant.
Genome position (GRCh38, 1-based): chr5:154,477,828, G>A on the plus strand (C>T on the coding strand, the complement: HAND1 is on the minus strand). VCF-style: chr5-154477828-G-A. GRCh37 (hg19) VCF-style: chr5-153857388-G-A.
Other names: short protein forms P61S.
Identifiers: ClinVar variation 4755122 (VCV004755122.1).
Genomic context (GRCh38, chr5:154,477,828, plus strand): 5'-TCTGCCCAGGCCTGGCGTCAGGACCATAGGCGGTGGCGGCTGCAGCGGCCGCGGGCGGCG[G>A]CCCGCCCGCAGGGAAGTCCGGGGCAGCGTCAGCCGGGCTCAGCAGCCAGCTCTGGAAGTA-3'
Protein context (NP_004812.1, residues 51-71): DAAPDFPAGG[Pro61Ser]PPAAAAAATA